The following is an entry in ClinVar:

ClinVar aggregate classification (germline): Uncertain significance (1 of 4 stars; one submission).

Conditions:
Hypertrophic cardiomyopathy 14. Identifiers: MedGen C2750467, MONDO:0013197, OMIM 613251.

Allele frequency attached by ClinVar (database versions not stated): gnomAD exomes below 0.00001.
gnomAD v4.1: 1 of 1,614,198 alleles (0.000062%); highest among the groups gnomAD compares: Admixed American, 0.0017%; no homozygotes.

Submission:

Labcorp Genetics (formerly Invitae), Labcorp
Classification: Uncertain significance for Hypertrophic cardiomyopathy 14. Last evaluated: 2023-05-31. Review status: criteria provided, single submitter. Criteria: Invitae Variant Classification Sherloc (09022015). Collection method: clinical testing. Allele origin: germline.
Comment: This sequence change replaces lysine, which is basic and polar, with arginine, which is basic and polar, at codon 804 of the MYH6 protein (p.Lys804Arg). This variant is not present in population databases (gnomAD no frequency). Advanced modeling of protein sequence and biophysical properties (such as structural, functional, and spatial information, amino acid conservation, physicochemical variation, residue mobility, and thermodynamic stability) performed at Invitae indicates that this missense variant is not expected to disrupt MYH6 protein function. In summary, the available evidence is currently insufficient to determine the role of this variant in disease. Therefore, it has been classified as a Variant of Uncertain Significance. This variant has not been reported in the literature in individuals affected with MYH6-related conditions.

NM_002471.4(MYH6):c.2411A>G (p.Lys804Arg)

Gene: MYH6 (myosin heavy chain 6; minus strand). Cytogenetic location: 14q11.2.
Variant type: single nucleotide variant.
Coding change: c.2411A>G on transcript NM_002471.4 (MANE Select); coding-DNA position 2411, A replaced by G.
Protein change: p.Lys804Arg; replaces lysine 804 with arginine.
Molecular consequence: missense variant.
Genome position (GRCh38, 1-based): chr14:23,396,302, T>C on the plus strand (A>G on the coding strand, the complement: MYH6 is on the minus strand). VCF-style: chr14-23396302-T-C. GRCh37 (hg19) VCF-style: chr14-23865511-T-C.
Other names: short protein forms K804R.
Identifiers: ClinVar variation 2954947 (VCV002954947.3), dbSNP rs2502177262, ClinGen allele CA389016082.